The following is an entry in ClinVar:

NM_001271.4(CHD2):c.3735dup (p.Tyr1246fs)

Gene: CHD2 (chromodomain helicase DNA binding protein 2; plus strand). Cytogenetic location: 15q26.1.
Variant type: Duplication.
Coding change: c.3735dup on transcript NM_001271.4 (MANE Select); coding-DNA position 3735, one base duplicated (A; older notation c.3735dupA).
Protein change: p.Tyr1246fs; shifts the reading frame from tyrosine 1246.
Molecular consequence: frameshift variant.
Genome position (GRCh38, 1-based): chr15:92,997,095, A duplicated; the last of 10 consecutive A bases (chr15:92,997,086-92,997,095); duplicating any one gives the same sequence. VCF-style (leftmost placement, unchanged base first): chr15-92997085-G-GA. GRCh37 (hg19) VCF-style: chr15-93540315-G-GA.
Other names: c.3734dupA (NM_001271.3); short protein forms Y1246fs.
Identifiers: ClinVar variation 803141 (VCV000803141.13), dbSNP rs752940775, ClinGen allele CA7748286.

ClinVar aggregate classification (germline): Pathogenic. Review status: criteria provided, multiple submitters, no conflicts (2 of 4 stars). 3 submissions from 3 submitters: Pathogenic (2). 1 of the submissions does not count toward it. Last evaluated 2024-10-17.

Conditions:
CHD2-related disorder. Also called: CHD2-related condition.
Developmental and epileptic encephalopathy 94 (DEE94). Also called: CHD2-Related Neurodevelopmental Disorders; Epileptic encephalopathy, childhood-onset. Identifiers: Orphanet 1942, Orphanet 2382, MedGen C3809278, MONDO:0014150, OMIM 615369.

Submissions (3):

Labcorp Genetics (formerly Invitae), Labcorp
Classification: Pathogenic for Developmental and epileptic encephalopathy 94. Last evaluated: 2024-10-17. Review status: criteria provided, single submitter. Criteria: Invitae Variant Classification Sherloc (09022015). Collection method: clinical testing. Allele origin: germline.
Comment: This sequence change creates a premature translational stop signal (p.Tyr1246Ilefs*13) in the CHD2 gene. It is expected to result in an absent or disrupted protein product. Loss-of-function variants in CHD2 are known to be pathogenic (PMID: 23708187, 24207121). The frequency data for this variant in the population databases is considered unreliable, as metrics indicate poor data quality at this position in the gnomAD database. This premature translational stop signal has been observed in individual(s) with early-onset epileptic encephalopathy (PMID: 31677157). In at least one individual the variant was observed to be de novo. ClinVar contains an entry for this variant (Variation ID: 803141). For these reasons, this variant has been classified as Pathogenic.

Mendelics
Classification: Pathogenic for Developmental and epileptic encephalopathy 94. Last evaluated: 2023-03-30. Review status: criteria provided, single submitter. Criteria: Mendelics Assertion Criteria 2017. Collection method: clinical testing. Allele origin: unknown.

PreventionGenetics, part of Exact Sciences
Classification: Likely pathogenic for CHD2-related condition. Last evaluated: 2024-02-20. Review status: no assertion criteria provided. Collection method: clinical testing. Allele origin: germline. Not counted in ClinVar's aggregate classification.
Comment: The CHD2 c.3734dupA variant is predicted to result in a frameshift and premature protein termination (p.Tyr1246Ilefs*13). This variant was reported to occur de novo in an individual with an epilepsy phenotype (Supplemental Table 1, Chen et al 2019. PubMed ID: 31677157). This variant is reported in 1.9% of alleles in individuals of Ashkenazi Jewish descent in gnomAD, however this variant is within a region of sequence complexity and thus population-based frequency reports based on short read next-generation sequencing technology are likely inaccurate. However, frameshift variants in CHD2 are expected to be pathogenic and therefore we interpret this variant as likely pathogenic.

Literature cited by the submitters: PubMed 23708187 (cited by Labcorp Genetics (formerly Invitae), Labcorp); PubMed 24207121 (cited by Labcorp Genetics (formerly Invitae), Labcorp); PubMed 31677157 (cited by Labcorp Genetics (formerly Invitae), Labcorp).